The following is an entry in ClinVar:

NM_000440.3(PDE6A):c.843C>G (p.Asp281Glu)

Gene: PDE6A (phosphodiesterase 6A; minus strand). Cytogenetic location: 5q32.
Variant type: single nucleotide variant.
Coding change: c.843C>G on transcript NM_000440.3 (MANE Select); coding-DNA position 843, C replaced by G.
Protein change: p.Asp281Glu; replaces aspartic acid 281 with glutamic acid.
Molecular consequence: missense variant.
Genome position (GRCh38, 1-based): chr5:149,931,043, G>C on the plus strand (C>G on the coding strand, the complement: PDE6A is on the minus strand). VCF-style: chr5-149931043-G-C. GRCh37 (hg19) VCF-style: chr5-149310606-G-C.
Other names: c.843C>G (NM_000440.2); short protein forms D281E.
Identifiers: ClinVar variation 1361052 (VCV001361052.6), dbSNP rs779249305, ClinGen allele CA3504935.

ClinVar aggregate classification (germline): Uncertain significance. Review status: criteria provided, multiple submitters, no conflicts (2 of 4 stars). 3 submissions from 3 submitters: Uncertain significance (3). Last evaluated 2025-08-11.

Conditions:
Inborn genetic diseases. Identifiers: MedGen C0950123, MeSH D030342.

Allele frequency attached by ClinVar (database versions not stated): gnomAD exomes 0.00003 and 0.00006; ExAC 0.00007.
gnomAD v4.1: 15 of 1,614,100 alleles (0.00093%); highest among the groups gnomAD compares: Admixed American, 0.025%; no homozygotes.

Submissions (3):

Labcorp Genetics (formerly Invitae), Labcorp
Classification: Uncertain significance. Last evaluated: 2025-08-11. Review status: criteria provided, single submitter. Criteria: Invitae Variant Classification Sherloc (09022015). Collection method: clinical testing. Allele origin: germline.
Comment: This sequence change replaces aspartic acid, which is acidic and polar, with glutamic acid, which is acidic and polar, at codon 281 of the PDE6A protein (p.Asp281Glu). This variant is present in population databases (rs779249305, gnomAD 0.04%). This variant has not been reported in the literature in individuals affected with PDE6A-related conditions. ClinVar contains an entry for this variant (Variation ID: 1361052). Invitae Evidence Modeling of protein sequence and biophysical properties (such as structural, functional, and spatial information, amino acid conservation, physicochemical variation, residue mobility, and thermodynamic stability) has been performed for this missense variant. However, the output from this modeling did not meet the statistical confidence thresholds required to predict the impact of this variant on PDE6A protein function. In summary, the available evidence is currently insufficient to determine the role of this variant in disease. Therefore, it has been classified as a Variant of Uncertain Significance.

Ambry Genetics
Classification: Uncertain significance for Inborn genetic diseases. Last evaluated: 2025-06-10. Review status: criteria provided, single submitter. Criteria: Ambry Variant Classification Scheme 2023. Collection method: clinical testing. Allele origin: germline.

Blueprint Genetics
Classification: Uncertain significance. Last evaluated: 2022-06-27. Review status: criteria provided, single submitter. Criteria: ACMG Guidelines, 2015. Collection method: clinical testing. Allele origin: germline.